The following is an entry in ClinVar:

NM_018677.4(ACSS2):c.691G>C (p.Asp231His)

Gene: ACSS2 (acyl-CoA synthetase short chain family member 2; plus strand). Cytogenetic location: 20q11.22.
Variant type: single nucleotide variant.
Coding change: c.691G>C on transcript NM_018677.4 (MANE Select); coding-DNA position 691, G replaced by C.
Protein change: p.Asp231His; replaces aspartic acid 231 with histidine.
Molecular consequence: missense variant.
Genome position (GRCh38, 1-based): chr20:34,914,143, G>C. VCF-style: chr20-34914143-G-C. GRCh37 (hg19) VCF-style: chr20-33501946-G-C.
Other names: c.691G>C, p.Asp231His (NM_001076552.3); c.406G>C, p.Asp136His (NM_001242393.2); short protein forms D136H, D231H.
Identifiers: ClinVar variation 2366479 (VCV002366479.4), dbSNP rs148166087, ClinGen allele CA9825307.

ClinVar aggregate classification (germline): Uncertain significance. Review status: criteria provided, multiple submitters, no conflicts (2 of 4 stars). 2 submissions from 2 submitters: Uncertain significance (2). Last evaluated 2025-07-22.

Conditions:
ACSS2-related disorder. Also called: ACSS2-related condition.

Allele frequency attached by ClinVar (database versions not stated): ExAC 0.00013; gnomAD 0.00016; TOPMed 0.00016; 1000 Genomes Project 0.00020; 1000 Genomes Project 30x 0.00031; ESP Exome Variant Server 0.00031.
gnomAD v4.1: 450 of 1,614,210 alleles (0.028%); highest among the groups gnomAD compares: Non-Finnish European, 0.037%; no homozygotes.

Submissions (2):

PreventionGenetics, part of Exact Sciences
Classification: Uncertain significance for ACSS2-related condition. Last evaluated: 2025-07-22. Review status: criteria provided, single submitter. Criteria: ACMG Guidelines, 2015. Collection method: clinical testing. Allele origin: germline.
Comment: The ACSS2 c.691G>C variant is predicted to result in the amino acid substitution p.Asp231His. To our knowledge, this variant has not been reported in the literature. This variant is reported in 0.025% of alleles in individuals of European (Non-Finnish) descent in gnomAD. At this time, the clinical significance of this variant is uncertain due to the absence of conclusive functional and genetic evidence.

Ambry Genetics
Classification: Uncertain significance. Last evaluated: 2025-02-11. Review status: criteria provided, single submitter. Criteria: Ambry Variant Classification Scheme 2023. Collection method: clinical testing. Allele origin: germline.